The following is an entry in ClinVar:

ClinVar aggregate classification (germline): Uncertain significance. Review status: criteria provided, multiple submitters, no conflicts (2 of 4 stars). 2 submissions from 2 submitters: Uncertain significance (2). Last evaluated 2025-04-16.

Conditions:
Inborn genetic diseases. Identifiers: MedGen C0950123, MeSH D030342.

Allele frequency attached by ClinVar (database versions not stated): ExAC 0.00001; TOPMed 0.00001.
gnomAD v4.1: 14 of 1,569,228 alleles (0.00089%); highest among the groups gnomAD compares: African/African-American, 0.0027%; no homozygotes.

Submissions (2):

Ambry Genetics
Classification: Uncertain significance for Inborn genetic diseases. Last evaluated: 2025-04-16. Review status: criteria provided, single submitter. Criteria: Ambry Variant Classification Scheme 2023. Collection method: clinical testing. Allele origin: germline.

Labcorp Genetics (formerly Invitae), Labcorp
Classification: Uncertain significance. Last evaluated: 2022-10-13. Review status: criteria provided, single submitter. Criteria: Invitae Variant Classification Sherloc (09022015). Collection method: clinical testing. Allele origin: germline.
Comment: In summary, the available evidence is currently insufficient to determine the role of this variant in disease. Therefore, it has been classified as a Variant of Uncertain Significance. Advanced modeling of protein sequence and biophysical properties (such as structural, functional, and spatial information, amino acid conservation, physicochemical variation, residue mobility, and thermodynamic stability) performed at Invitae indicates that this missense variant is not expected to disrupt SRCAP protein function. This variant has not been reported in the literature in individuals affected with SRCAP-related conditions. This variant is present in population databases (rs777637685, gnomAD 0.001%). This sequence change replaces arginine, which is basic and polar, with tryptophan, which is neutral and slightly polar, at codon 2771 of the SRCAP protein (p.Arg2771Trp).

NM_006662.3(SRCAP):c.8311C>T (p.Arg2771Trp)

Gene: SRCAP (Snf2 related CREBBP activator protein; plus strand). Cytogenetic location: 16p11.2.
Variant type: single nucleotide variant.
Coding change: c.8311C>T on transcript NM_006662.3 (MANE Select); coding-DNA position 8311, C replaced by T.
Protein change: p.Arg2771Trp; replaces arginine 2771 with tryptophan.
Molecular consequence: missense variant.
Genome position (GRCh38, 1-based): chr16:30,738,351, C>T. VCF-style: chr16-30738351-C-T. GRCh37 (hg19) VCF-style: chr16-30749672-C-T.
Other names: c.8311C>T (NM_006662.2); short protein forms R2771W.
Identifiers: ClinVar variation 2084573 (VCV002084573.5), dbSNP rs777637685, ClinGen allele CA8012659.